The following is an entry in ClinVar:

NM_004958.4(MTOR):c.642T>A (p.Arg214=)

Gene: MTOR (mechanistic target of rapamycin kinase; minus strand). Cytogenetic location: 1p36.22.
Variant type: single nucleotide variant.
Coding change: c.642T>A on transcript NM_004958.4 (MANE Select); coding-DNA position 642, T replaced by A.
Protein change: p.Arg214=; no amino-acid change (arginine 214 retained).
Molecular consequence: synonymous variant. On other transcripts: 5 prime UTR variant (1).
Genome position (GRCh38, 1-based): chr1:11,256,055, A>T on the plus strand (T>A on the coding strand, the complement: MTOR is on the minus strand). VCF-style: chr1-11256055-A-T. GRCh37 (hg19) VCF-style: chr1-11316112-A-T.
Other names: c.642T>A, p.Arg214= (NM_001386500.1); c.-498T>A (NM_001386501.1).
Identifiers: ClinVar variation 1661608 (VCV001661608.23), dbSNP rs777212963, ClinGen allele CA590907.

ClinVar aggregate classification (germline): Likely benign. Review status: criteria provided, multiple submitters, no conflicts (2 of 4 stars). 3 submissions from 3 submitters: Likely benign (3). Last evaluated 2024-11-07.

Allele frequency attached by ClinVar (database versions not stated): gnomAD exomes below 0.00001; ExAC 0.00001.

Submissions (3):

Labcorp Genetics (formerly Invitae), Labcorp
Classification: Likely benign. Last evaluated: 2024-11-07. Review status: criteria provided, single submitter. Criteria: Invitae Variant Classification Sherloc (09022015). Collection method: clinical testing. Allele origin: germline.

CeGaT Center for Human Genetics Tuebingen
Classification: Likely benign. Last evaluated: 2024-09-01. Review status: criteria provided, single submitter. Criteria: CeGaT Center For Human Genetics Tuebingen Variant Classification Criteria Version 2. Collection method: clinical testing. Allele origin: germline. Affected: yes. Observed: 1 variant allele.
Comment: MTOR: BP4, BP7

Blueprint Genetics
Classification: Likely benign. Last evaluated: 2023-12-20. Review status: criteria provided, single submitter. Criteria: ACMG Guidelines, 2015. Collection method: clinical testing. Allele origin: germline.